The following is an entry in ClinVar:

ClinVar aggregate classification (germline): Uncertain significance (1 of 4 stars; one submission).

Conditions:
Dilated cardiomyopathy 1O (CMD1O). Also called: CARDIOMYOPATHY, DILATED, WITH VENTRICULAR TACHYCARDIA. Identifiers: Orphanet 154, MedGen C1837839, MONDO:0012062, OMIM 608569.

Submission:

Labcorp Genetics (formerly Invitae), Labcorp
Classification: Uncertain significance for Dilated cardiomyopathy 1O. Last evaluated: 2020-05-04. Review status: criteria provided, single submitter. Criteria: Invitae Variant Classification Sherloc (09022015). Collection method: clinical testing. Allele origin: germline.
Comment: In summary, the available evidence is currently insufficient to determine the role of this variant in disease. Therefore, it has been classified as a Variant of Uncertain Significance. Nucleotide substitutions within the consensus splice site are a relatively common cause of aberrant splicing (PMID: 17576681, 9536098). Algorithms developed to predict the effect of sequence changes on RNA splicing suggest that this variant may disrupt the consensus splice site, but this prediction has not been confirmed by published transcriptional studies. This variant has not been reported in the literature in individuals with ABCC9-related conditions. This variant is not present in population databases (ExAC no frequency). This sequence change falls in intron 22 of the ABCC9 gene. It does not directly change the encoded amino acid sequence of the ABCC9 protein, but it affects a nucleotide within the consensus splice site of the intron.

Literature cited by the submitters: PubMed 17576681; PubMed 9536098.

NM_020297.4(ABCC9):c.2769+3_2769+6del

Gene: ABCC9 (ATP binding cassette subfamily C member 9; minus strand). Cytogenetic location: 12p12.1.
Variant type: Deletion.
Coding change: c.2769+3_2769+6del on transcript NM_020297.4 (MANE Select); bases 3 to 6 of the intron after coding-DNA position 2769, 4 bases deleted (AAGT; older notation c.2769+3_2769+6delAAGT).
Molecular consequence: splice donor variant.
Genome position (GRCh38, 1-based): chr12:21,852,091-21,852,094, ACTT deleted on the plus strand (AAGT on the coding strand, the reverse complement: ABCC9 is on the minus strand); deleting any 4 consecutive bases within chr12:21,852,091-21,852,096 gives the same sequence; the c. name uses the placement nearest the transcript's 3' end. VCF-style (leftmost placement, unchanged base first): chr12-21852090-CACTT-C. GRCh37 (hg19) VCF-style: chr12-22005024-CACTT-C.
Other names: c.1902+3_1902+6del (NM_001377274.1); c.2769+3_2769+6del (NM_005691.4, NM_001377273.1).
Identifiers: ClinVar variation 1002590 (VCV001002590.8), dbSNP rs1944998967, ClinGen allele CA2021297489.